The following is an entry in ClinVar:

ClinVar aggregate classification (germline): Uncertain significance. Review status: criteria provided, multiple submitters, no conflicts (2 of 4 stars). 5 submissions from 5 submitters: Uncertain significance (5). Last evaluated 2026-05-07.

Conditions:
CEP164-related disorder. Also called: CEP164-related condition.
Inborn genetic diseases. Identifiers: MedGen C0950123, MeSH D030342.
Nephronophthisis 15 (NPHP15). Identifiers: Orphanet 3156, MedGen C3541853, MONDO:0013917, OMIM 614845.

Allele frequency attached by ClinVar (database versions not stated): ExAC 0.00007; TOPMed 0.00015; gnomAD 0.00023 and 0.00025; ESP Exome Variant Server 0.00038.
gnomAD v4.1: 70 of 1,610,166 alleles (0.0043%); highest among the groups gnomAD compares: African/African-American, 0.041%; no homozygotes.

Submissions (5):

PreventionGenetics, part of Exact Sciences
Classification: Uncertain significance for CEP164-related condition. Last evaluated: 2026-05-07. Review status: criteria provided, single submitter. Criteria: ACMG Guidelines, 2015. Collection method: clinical testing. Allele origin: germline.
Comment: The CEP164 c.2356C>T variant is predicted to result in the amino acid substitution p.Arg786Trp. To our knowledge, this variant has not been reported in the literature. This variant is reported in 0.048% of alleles in individuals of African descent in gnomAD. At this time, the clinical significance of this variant is uncertain due to the absence of conclusive functional and genetic evidence.

Ambry Genetics
Classification: Uncertain significance for Inborn genetic diseases. Last evaluated: 2025-08-14. Review status: criteria provided, single submitter. Criteria: Ambry Variant Classification Scheme 2023. Collection method: clinical testing. Allele origin: germline.

Blueprint Genetics
Classification: Uncertain significance. Last evaluated: 2024-10-08. Review status: criteria provided, single submitter. Criteria: ACMG Guidelines, 2015. Collection method: clinical testing. Allele origin: germline.

Fulgent Genetics
Classification: Uncertain significance for Nephronophthisis 15. Last evaluated: 2024-03-11. Review status: criteria provided, single submitter. Criteria: ACMG Guidelines, 2015. Collection method: clinical testing. Allele origin: germline.

Labcorp Genetics (formerly Invitae), Labcorp
Classification: Uncertain significance for Nephronophthisis 15. Last evaluated: 2022-08-02. Review status: criteria provided, single submitter. Criteria: Invitae Variant Classification Sherloc (09022015). Collection method: clinical testing. Allele origin: germline.
Comment: This sequence change replaces arginine, which is basic and polar, with tryptophan, which is neutral and slightly polar, at codon 786 of the CEP164 protein (p.Arg786Trp). This variant is present in population databases (rs139225491, gnomAD 0.05%). This variant has not been reported in the literature in individuals affected with CEP164-related conditions. ClinVar contains an entry for this variant (Variation ID: 1036464). Algorithms developed to predict the effect of missense changes on protein structure and function (SIFT, PolyPhen-2, Align-GVGD) all suggest that this variant is likely to be disruptive. In summary, the available evidence is currently insufficient to determine the role of this variant in disease. Therefore, it has been classified as a Variant of Uncertain Significance.

NM_014956.5(CEP164):c.2356C>T (p.Arg786Trp)

Gene: CEP164 (centrosomal protein 164; plus strand). Cytogenetic location: 11q23.3.
Variant type: single nucleotide variant.
Coding change: c.2356C>T on transcript NM_014956.5 (MANE Select); coding-DNA position 2356, C replaced by T.
Protein change: p.Arg786Trp; replaces arginine 786 with tryptophan.
Molecular consequence: missense variant.
Genome position (GRCh38, 1-based): chr11:117,392,298, C>T. VCF-style: chr11-117392298-C-T. GRCh37 (hg19) VCF-style: chr11-117263014-C-T.
Other names: c.2365C>T, p.Arg789Trp (NM_001271933.2); c.2356C>T (NM_014956.4); short protein forms R786W, R789W.
Identifiers: ClinVar variation 1036464 (VCV001036464.10), dbSNP rs139225491, ClinGen allele CA6295034.
Genomic context (GRCh38, chr11:117,392,298, plus strand): 5'-CTGGAGAAGGAGCACAGTGCTGAGCTGGAGCGGCTCTGCTCCTCATTGGAGGCCAAGCAC[C>T]GGGAGGTAAGATGCAGCATCCTGGGCCCCCTTCATGGCTGATTAGCAGAATTCAGCCCCA-3'
Protein context (NP_055771.4, residues 776-796): RLCSSLEAKH[Arg786Trp]EVVSSLQKKI